The following is an entry in ClinVar:

ClinVar aggregate classification (germline): Uncertain significance. Review status: criteria provided, multiple submitters, no conflicts (2 of 4 stars). 3 submissions from 3 submitters: Uncertain significance (3). Last evaluated 2024-03-22.

Conditions:
Cranioectodermal dysplasia 1 (CED1). Also called: LEVIN SYNDROME I. Identifiers: Orphanet 1515, MedGen C0432235, MONDO:0021093, OMIM 218330.

Allele frequency attached by ClinVar (database versions not stated): ExAC 0.00002; gnomAD exomes 0.00002 and 0.00003; TOPMed 0.00014; gnomAD 0.00019 and 0.00020; 1000 Genomes Project 0.00020; 1000 Genomes Project 30x 0.00031.

Submissions (3):

Fulgent Genetics
Classification: Uncertain significance for Cranioectodermal dysplasia 1. Last evaluated: 2024-03-22. Review status: criteria provided, single submitter. Criteria: ACMG Guidelines, 2015. Collection method: clinical testing. Allele origin: germline.

GeneDx
Classification: Uncertain significance. Last evaluated: 2022-12-09. Review status: criteria provided, single submitter. Criteria: GeneDx Variant Classification Process June 2021. Collection method: clinical testing. Allele origin: germline. Affected: yes.
Comment: In silico analysis supports that this missense variant has a deleterious effect on protein structure/function; Has not been previously published as pathogenic or benign to our knowledge

Labcorp Genetics (formerly Invitae), Labcorp
Classification: Uncertain significance for Cranioectodermal dysplasia 1. Last evaluated: 2022-07-19. Review status: criteria provided, single submitter. Criteria: Invitae Variant Classification Sherloc (09022015). Collection method: clinical testing. Allele origin: germline.
Comment: This sequence change replaces proline, which is neutral and non-polar, with leucine, which is neutral and non-polar, at codon 858 of the IFT122 protein (p.Pro858Leu). This variant is present in population databases (rs193183329, gnomAD 0.02%). This variant has not been reported in the literature in individuals affected with IFT122-related conditions. ClinVar contains an entry for this variant (Variation ID: 1387335). Algorithms developed to predict the effect of missense changes on protein structure and function are either unavailable or do not agree on the potential impact of this missense change (SIFT: "Deleterious"; PolyPhen-2: "Benign"; Align-GVGD: "Class C15"). In summary, the available evidence is currently insufficient to determine the role of this variant in disease. Therefore, it has been classified as a Variant of Uncertain Significance.

NM_052989.3(IFT122):c.2420C>T (p.Pro807Leu)

Gene: IFT122 (intraflagellar transport 122; plus strand). Cytogenetic location: 3q22.1.
Variant type: single nucleotide variant.
Coding change: c.2420C>T on transcript NM_052989.3 (MANE Select); coding-DNA position 2420, C replaced by T.
Protein change: p.Pro807Leu; replaces proline 807 with leucine.
Molecular consequence: missense variant.
Genome position (GRCh38, 1-based): chr3:129,502,755, C>T. VCF-style: chr3-129502755-C-T. GRCh37 (hg19) VCF-style: chr3-129221598-C-T.
Other names: c.2396C>T, p.Pro799Leu (NM_001280541.2); c.1970C>T, p.Pro657Leu (NM_001280545.2); c.1793C>T, p.Pro598Leu (NM_001280546.2); c.2243C>T, p.Pro748Leu (NM_018262.4); c.2573C>T, p.Pro858Leu (NM_052985.4); c.2087C>T, p.Pro696Leu (NM_052990.3); c.2573C>T (NM_052985.3); short protein forms P598L, P696L, P807L, P748L, P657L, P799L, P858L.
Identifiers: ClinVar variation 1387335 (VCV001387335.7), dbSNP rs193183329, ClinGen allele CA2606515.